The following is an entry in ClinVar:

ClinVar aggregate classification (germline): Benign. Review status: criteria provided, single submitter (1 of 4 stars). 2 submissions from 1 submitter: Benign (2). Last evaluated 2018-01-13.

Conditions:
Craniometaphyseal dysplasia, autosomal dominant (CMDD). Identifiers: Orphanet 1522, MedGen C1852502, MONDO:0007397, OMIM 123000.
Chondrocalcinosis 2. Also called: Familial calcium pyrophosphate deposition; CALCIUM GOUT; CALCIUM PYROPHOSPHATE ARTHROPATHY. Identifiers: Orphanet 1416, MedGen C0856830, MONDO:0007319, OMIM 118600.

Allele frequency attached by ClinVar (database versions not stated): TOPMed 0.00010; 1000 Genomes Project 30x 0.00047; 1000 Genomes Project 0.00060; gnomAD 0.00162 and 0.00167.

Submissions (2):

Illumina Laboratory Services, Illumina
Classification: Benign for Craniometaphyseal dysplasia, autosomal dominant. Last evaluated: 2018-01-13. Review status: criteria provided, single submitter. Criteria: ICSL Variant Classification Criteria 13 December 2019. Collection method: clinical testing. Allele origin: germline.
Comment: This variant was observed in the ICSL laboratory as part of a predisposition screen in an ostensibly healthy population. It had not been previously curated by ICSL or reported in the Human Gene Mutation Database (HGMD: prior to June 1st, 2018), and was therefore a candidate for classification through an automated scoring system. Utilizing variant allele frequency, disease prevalence and penetrance estimates, and inheritance mode, an automated score was calculated to assess if this variant is too frequent to cause the disease. Based on the score and internal cut-off values, a variant classified as benign is not then subjected to further curation. The score for this variant resulted in a classification of benign for this disease.

Illumina Laboratory Services, Illumina
Classification: Benign for Chondrocalcinosis 2. Last evaluated: 2018-01-13. Review status: criteria provided, single submitter. Criteria: ICSL Variant Classification Criteria 13 December 2019. Collection method: clinical testing. Allele origin: germline.
Comment: the same text as in the submission from Illumina Laboratory Services, Illumina above.

NM_054027.6(ANKH):c.*1988C>G

Genes: ANKH (ANKH inorganic pyrophosphate transport regulator; minus strand), OTULIN (OTU deubiquitinase with linear linkage specificity; plus strand). Cytogenetic location: 5p15.2.
Variant type: single nucleotide variant.
Coding change: c.*1988C>G on transcript NM_054027.6 (MANE Select); 1988 bases downstream of the stop codon, C replaced by G.
Molecular consequence: 3 prime UTR variant.
Genome position (GRCh38, 1-based): chr5:14,709,209, G>C on the plus strand (C>G on the coding strand, the complement: ANKH is on the minus strand). VCF-style: chr5-14709209-G-C. GRCh37 (hg19) VCF-style: chr5-14709318-G-C.
Identifiers: ClinVar variation 906056 (VCV000906056.4), dbSNP rs552146695, ClinGen allele CA114714415.